The following is an entry in ClinVar:

ClinVar aggregate classification (germline): Uncertain significance (1 of 4 stars; one submission).

Conditions:
Hereditary cancer-predisposing syndrome. Also called: Hereditary Cancer Syndrome; Hereditary neoplastic syndrome; Neoplastic Syndromes, Hereditary; Tumor predisposition. Identifiers: Orphanet 140162, MedGen C0027672, MeSH D009386, MONDO:0015356.

Submission:

Ambry Genetics
Classification: Uncertain significance for Hereditary cancer-predisposing syndrome. Last evaluated: 2022-03-29. Review status: criteria provided, single submitter. Criteria: Ambry Variant Classification Scheme 2023. Collection method: clinical testing. Allele origin: germline.
Comment: The p.P50S variant (also known as c.148C>T), located in coding exon 1 of the GREM1 gene, results from a C to T substitution at nucleotide position 148. The proline at codon 50 is replaced by serine, an amino acid with similar properties. This amino acid position is conserved. In addition, this alteration is predicted to be tolerated by in silico analysis. Since supporting evidence is limited at this time, the clinical significance of this alteration remains unclear.

NM_013372.7(GREM1):c.148C>T (p.Pro50Ser)

Gene: GREM1 (gremlin 1, DAN family BMP antagonist; plus strand). Cytogenetic location: 15q13.3.
Variant type: single nucleotide variant.
Coding change: c.148C>T on transcript NM_013372.7 (MANE Select); coding-DNA position 148, C replaced by T.
Protein change: p.Pro50Ser; replaces proline 50 with serine.
Molecular consequence: missense variant. On other transcripts: intron variant (2).
Genome position (GRCh38, 1-based): chr15:32,730,838, C>T. VCF-style: chr15-32730838-C-T. GRCh37 (hg19) VCF-style: chr15-33023039-C-T.
Other names: c.148C>T, p.Pro50Ser (NM_001368719.1); c.114+34C>T (NM_001191323.2); c.28-90C>T (NM_001191322.2); short protein forms P50S.
Identifiers: ClinVar variation 1773745 (VCV001773745.2), dbSNP rs2548707525, ClinGen allele CA391557288.